The following is an entry in ClinVar:

ClinVar aggregate classification (germline): Conflicting classifications of pathogenicity. Review status: criteria provided, conflicting classifications (1 of 4 stars). 7 submissions from 7 submitters: Likely pathogenic (1); Uncertain significance (2); Likely benign (2). 2 of the submissions do not count toward it. Last evaluated 2026-02-02.

Conditions:
CHRNE-related disorder. Also called: CHRNE-related condition.
Congenital myasthenic syndrome (CMS). Also called: Congenital Myasthenic Syndromes. Identifiers: Orphanet 590, MedGen C0751882, MeSH D020294, MONDO:0018940.
Congenital myasthenic syndrome 4A. Also called: CONGENITAL MYASTHENIC SYNDROME TYPE Ia1; Myasthenic syndrome, congenital, 4a, slow-channel; MYASTHENIC SYNDROME, CONGENITAL, 4A, SLOW-CHANNEL, AUTOSOMAL RECESSIVE. Identifiers: Orphanet 590, MedGen C4225413, MONDO:0011600, OMIM 605809.
Tip-toe gait. Also called: Toe walking. Identifiers: MedGen C0427144, HP:0030051.

Allele frequency attached by ClinVar (database versions not stated): ESP Exome Variant Server 0.00038; gnomAD 0.00041 and 0.00046; ExAC 0.00071; gnomAD exomes 0.00071; TOPMed 0.00060.
gnomAD v4.1: 935 of 1,613,810 alleles (0.058%); highest among the groups gnomAD compares: Non-Finnish European, 0.063%; 1 homozygote.

Submissions (7):

Labcorp Genetics (formerly Invitae), Labcorp
Classification: Likely benign for Congenital myasthenic syndrome 4A. Last evaluated: 2026-02-02. Review status: criteria provided, single submitter. Criteria: Invitae Variant Classification Sherloc (09022015). Collection method: clinical testing. Allele origin: germline.

Revvity Omics, Revvity
Classification: Uncertain significance. Last evaluated: 2025-04-02. Review status: criteria provided, single submitter. Criteria: ACMG Guidelines, 2015. Collection method: clinical testing. Allele origin: germline.

GeneDx
Classification: Likely benign. Last evaluated: 2018-03-02. Review status: criteria provided, single submitter. Criteria: GeneDx Variant Classification (06012015). Collection method: clinical testing. Allele origin: germline. Affected: yes.
Comment: This variant is considered likely benign or benign based on one or more of the following criteria: it is a conservative change, it occurs at a poorly conserved position in the protein, it is predicted to be benign by multiple in silico algorithms, and/or has population frequency not consistent with disease.

Illumina Laboratory Services, Illumina
Classification: Uncertain significance for Congenital myasthenic syndrome. Last evaluated: 2018-01-13. Review status: criteria provided, single submitter. Criteria: ICSL Variant Classification Criteria 13 December 2019. Collection method: clinical testing. Allele origin: germline.

Practice for Gait Abnormalities, David Pomarino, Competency Network Toe Walking C/o Practice Pomarino
Classification: Likely pathogenic for Tip-toe gait. Review status: criteria provided, single submitter. Criteria: ACMG Guidelines, 2015. Collection method: clinical testing. Allele origin: de novo. Inheritance: Sporadic. Affected: yes.
Comment: The variant c.901G> A p. (Val301Met), which is listed in the dbSNP database [dbSNP: rs140023380 frequency A = 0.0711% (ExAC)], was found heterozygous in the CHRNE gene. In the ClinVar database, it is rated inconsistently with regard to its clinical effects (2x probably benign, 1x VUS). In the locus-specific database LOVD, it is also assessed as a variant of unclear significance. The variant causes the exchange of the amino acid valine at position 301 by methionine in the highly conserved second extracellular topological domain of the epsilon subunit of the acetylcholine receptor, which can influence the protein structure due to the steric differences between the two amino acids. The variant has not yet been described in the literature, but variants in the neighboring codons have been associated with the congenital myasthenia syndrome as pathological. A pathological influence is supported by the results of in-silico calculations; PolyPhen-2 "possibly damaging", MutationTaster "disease causing", MutationAssessor "medium impact". The fact that the patient has a "de novo" mutation may also indicate that it is a pathogenic mutation. Myopathy refers to diseases that affect skeletal Muscles. These diseases attack muscle fibers, making muscles weak. Inherited myopathies are often caused by inheriting an abnormal gene mutation from a parent that causes the disease. Symptoms of congenital myopathies usually start at birth or in early childhood, but may not appear until the teen years or even later in adulthood. Congenital myopathies are somewhat unique compared with other inherited myopathies, as weakness typically affects all muscles and is often not progressive. Symptoms are: Muscle weakness, most commonly of upper arms and shoulders and thighs, muscle cramps, stiffness and spasms, fatigue with exertion and lack of energy. Our patients all walk on tiptoe, so they show similar symptoms. When we genetically test them with our toe walking panel, we find that around 90 per cent of them have a genetic variant that explains their toe walking. These can be assigned, for example, to the area of myopathies (such as variants of the COL6A3 gene), the area of hereditary neuropathies (such as variants of the KMT2C gene) or the area of metabolic diseases (such as variants of the PYGM gene). In a smaller group of patients with almost identical symptoms, no abnormality is found in the genes of our panel, but spastic paraplegia can be detected. In another small group of our toe walkers, no abnormalities can be detected in the genes analysed in our toe walking panel, nor do they suffer from spastic paraplegia, as is also the case with healthy children. In contrast to these, however, they show a tiptoe gait. These patients suffer from infantile cerebral palsy, in which toe walking can also be observed.

Natera, Inc.
Classification: Likely benign for Congenital myasthenic syndrome. Last evaluated: 2020-08-05. Review status: no assertion criteria provided. Collection method: clinical testing. Allele origin: germline. Not counted in ClinVar's aggregate classification.

PreventionGenetics, part of Exact Sciences
Classification: Likely benign for CHRNE-related condition. Last evaluated: 2020-05-21. Review status: no assertion criteria provided. Collection method: clinical testing. Allele origin: germline. Not counted in ClinVar's aggregate classification.
Comment: This variant is classified as likely benign based on ACMG/AMP sequence variant interpretation guidelines (Richards et al. 2015 PMID: 25741868, with internal and published modifications).

Literature cited by the submitters: PubMed 37091313 (cited by Practice for Gait Abnormalities, David Pomarino, Competency Network Toe Walking C/o Practice Pomarino).

NM_000080.4(CHRNE):c.901G>A (p.Val301Met)

Genes: C17orf107 (chromosome 17 open reading frame 107; plus strand), CHRNE (cholinergic receptor nicotinic epsilon subunit; minus strand). Cytogenetic location: 17p13.2.
Variant type: single nucleotide variant.
Coding change: c.901G>A on transcript NM_000080.4 (MANE Select); coding-DNA position 901, G replaced by A.
Protein change: p.Val301Met; replaces valine 301 with methionine.
Molecular consequence: missense variant. On other transcripts: 3 prime UTR variant (1).
Genome position (GRCh38, 1-based): chr17:4,900,809, C>T on the plus strand (G>A on the coding strand, the complement: CHRNE is on the minus strand). VCF-style: chr17-4900809-C-T. GRCh37 (hg19) VCF-style: chr17-4804104-C-T.
Other names: c.*276C>T (NM_001145536.2); short protein forms V301M.
Identifiers: ClinVar variation 323987 (VCV000323987.30), dbSNP rs140023380, ClinGen allele CA8314213.